The following is an entry in ClinVar:

ClinVar aggregate classification (germline): Likely benign. Review status: criteria provided, multiple submitters, no conflicts (2 of 4 stars). 2 submissions from 2 submitters: Likely benign (2). Last evaluated 2025-08-24.

Allele frequency attached by ClinVar (database versions not stated): gnomAD exomes 0.00001; ExAC 0.00002; gnomAD 0.00002; TOPMed 0.00003; ESP Exome Variant Server 0.00008.
gnomAD v4.1: 13 of 1,613,902 alleles (0.00081%); highest among the groups gnomAD compares: Admixed American, 0.0017%; no homozygotes.

Submissions (2):

Labcorp Genetics (formerly Invitae), Labcorp
Classification: Likely benign. Last evaluated: 2025-08-24. Review status: criteria provided, single submitter. Criteria: Invitae Variant Classification Sherloc (09022015). Collection method: clinical testing. Allele origin: germline.

CeGaT Center for Human Genetics Tuebingen
Classification: Likely benign. Last evaluated: 2023-08-01. Review status: criteria provided, single submitter. Criteria: CeGaT Center For Human Genetics Tuebingen Variant Classification Criteria Version 2. Collection method: clinical testing. Allele origin: germline. Affected: yes. Observed: 1 variant allele.
Comment: TF: BP4, BP7

NM_001063.4(TF):c.1314G>A (p.Glu438=)

Gene: TF (transferrin; plus strand). Cytogenetic location: 3q22.1.
Variant type: single nucleotide variant.
Coding change: c.1314G>A on transcript NM_001063.4 (MANE Select); coding-DNA position 1314, G replaced by A.
Protein change: p.Glu438=; no amino-acid change (glutamic acid 438 retained).
Molecular consequence: synonymous variant.
Genome position (GRCh38, 1-based): chr3:133,764,891, G>A. VCF-style: chr3-133764891-G-A. GRCh37 (hg19) VCF-style: chr3-133483735-G-A.
Other names: c.1182G>A, p.Glu394= (NM_001354703.2); c.933G>A, p.Glu311= (NM_001354704.2).
Identifiers: ClinVar variation 2571186 (VCV002571186.30), dbSNP rs377375066, ClinGen allele CA2625259.